The following is an entry in ClinVar:

NC_000016.9:g.(?_57242967)_(57243119_?)del

Gene: RSPRY1 (ring finger and SPRY domain containing 1; plus strand). Cytogenetic location: 16q13.
Variant type: Deletion.
Identifiers: ClinVar variation 2427211 (VCV002427211.4).

ClinVar aggregate classification (germline): Pathogenic (1 of 4 stars; one submission).

Submission:

Labcorp Genetics (formerly Invitae), Labcorp
Classification: Pathogenic. Last evaluated: 2022-05-27. Review status: criteria provided, single submitter. Criteria: Invitae Variant Classification Sherloc (09022015). Collection method: clinical testing. Allele origin: germline.
Comment: This variant is a gross deletion of the genomic region encompassing exon(s) 4 of the RSPRY1 gene. This deletion is out-of-frame, and is expected to create a premature termination codon and result in an absent or disrupted protein product. Loss-of-function variants in RSPRY1 are known to be pathogenic (PMID: 26365341, 30063090). This variant has not been reported in the literature in individuals affected with RSPRY1-related conditions. For these reasons, this variant has been classified as Pathogenic.

Literature cited by the submitters: PubMed 26365341; PubMed 30063090.